The following is an entry in ClinVar:

ClinVar aggregate classification (germline): Uncertain significance (1 of 4 stars; one submission).

Conditions:
Fabry disease. Also called: ALPHA-GALACTOSIDASE A DEFICIENCY; ANDERSON-FABRY DISEASE; CERAMIDE TRIHEXOSIDASE DEFICIENCY; GLA DEFICIENCY; HEREDITARY DYSTOPIC LIPIDOSIS; Angiokeratoma corporis diffusum. Identifiers: Orphanet 324, MedGen C0002986, MONDO:0010526, OMIM 301500, HP:0001071. Disease mechanism: Fabry disease is due to inactivating mutations in the X-linked GLA gene resulting in deficiency of the enzyme Alpha Galactosidase-A., loss of function.

Submission:

Genomenon, Inc
Classification: Uncertain significance for Fabry disease. Last evaluated: 2026-09-08. Review status: criteria provided, single submitter. Criteria: Genomenon Sequence Variant Interpretation Standards - Updated. Collection method: curation. Allele origin: germline. Affected: yes.
Comment: GLA p.Arg220Leu (c.659G>T) is a missense variant that changes the amino acid at codon 220 from Arginine to Leucine. This variant has been observed in at least one proband with clinical features consistent with Fabry disease (PMID:35552179). It is absent or not present at a significant frequency in gnomAD. In conclusion, we classify GLA p.Arg220Leu (c.659G>T) as a variant of uncertain significance.

Literature cited by the submitters: PubMed 35552179.

NM_000169.3(GLA):c.659G>T (p.Arg220Leu)

Genes: GLA (galactosidase alpha; minus strand), RPL36A-HNRNPH2 (RPL36A-HNRNPH2 readthrough; plus strand). Cytogenetic location: Xq22.1.
Variant type: single nucleotide variant.
Coding change: c.659G>T on transcript NM_000169.3 (MANE Select); coding-DNA position 659, G replaced by T.
Protein change: p.Arg220Leu; replaces arginine 220 with leucine.
Molecular consequence: missense variant. On other transcripts: non-coding transcript variant (3), intron variant (2).
Genome position (GRCh38, 1-based): chrX:101,398,927, C>A on the plus strand (G>T on the coding strand, the complement: GLA is on the minus strand). VCF-style: chrX-101398927-C-A. GRCh37 (hg19) VCF-style: chrX-100653915-C-A.
Other names: c.782G>T, p.Arg261Leu (NM_001406747.1); c.659G>T, p.Arg220Leu (NM_001406748.1); c.300+3470C>A (NM_001199973.2); c.177+7105C>A (NM_001199974.2); short protein forms R220L, R261L.
Identifiers: ClinVar variation 4087453 (VCV004087453.2).
Genomic context (GRCh38, chrX:101,398,927, plus strand): 5'-TTTATACTTTTCCAGGAATCATCAATGTCAGCAAAATTTCGCCAGTGATTGCAGTACTGT[C>A]GGATTTCTGTATAATTGGGCTGTGAAAACAGATATGACTCTTCTGTTTACTTTCTACTAA-3'
Protein context (NP_000160.1, residues 210-230): PFQKPNYTEI[Arg220Leu]QYCNHWRNFA